The following is an entry in ClinVar:

ClinVar aggregate classification (germline): Pathogenic (1 of 4 stars; one submission).

Conditions:
Rubinstein-Taybi syndrome due to EP300 haploinsufficiency. Also called: RUBINSTEIN-TAYBI SYNDROME 2; EP300-Related Rubinstein-Taybi Syndrome. Identifiers: Orphanet 353284, Orphanet 783, MedGen C3150941, MONDO:0013364, OMIM 613684.

Submission:

Victorian Clinical Genetics Services, Murdoch Childrens Research Institute
Classification: Pathogenic for Rubinstein-Taybi syndrome due to EP300 haploinsufficiency. Last evaluated: 2024-10-09. Review status: criteria provided, single submitter. Criteria: ACMG Guidelines, 2015. Collection method: clinical testing. Allele origin: germline. Inheritance: Autosomal dominant inheritance. Affected: yes.
Comment: Based on the classification scheme VCGS_Germline_v1.3.4, this variant is classified as Pathogenic. Following criteria are met: 0102 - Loss of function is a known mechanism of disease in this gene and is associated with Rubinstein-Taybi syndrome 2 (RSTS; MIM#613684) and Menke-Hennekam syndrome 2 (MHS2; MIM#618333). Additionally, dominant negative is a suggested mechanism (PMIDs: 20301699, 24381114). Variants reported to cause RSTS are found throughout the protein, whereas of the few variants reported to cause MHS, all were located in exon 31 (PMID: 29460469). (I) 0107 - This gene is associated with autosomal dominant disease. (I) 0115 - Variants in this gene are known to have variable expressivity. Clinical features and developmental outcomes vary considerably between individuals with RSTS, with rare reports of pathogenic variants inherited from asymptomatic or mildly affected parents (PMID: 20301699). (I) 0201 - Variant is predicted to cause nonsense-mediated decay (NMD) and loss of protein (premature termination codon is located at least 54 nucleotides upstream of the final exon-exon junction). (SP) 0251 - This variant is heterozygous. (I) 0301 - Variant is absent from gnomAD (both v2 and v3). (SP) 0701 - Other NMD-predicted variants comparable to the one identified in this case have very strong previous evidence for pathogenicity. Many NMD-predicted variants have been reported as pathogenic (ClinVar). (SP) 0807 - This variant has no previous evidence of pathogenicity. (I) 0905 - No published segregation evidence has been identified for this variant. (I) 1007 - No published functional evidence has been identified for this variant. (SP) Legend: (SP) - Supporting pathogenic, (I) - Information, (SB) - Supporting benign

Literature cited by the submitters: PubMed 20301699; PubMed 24381114; PubMed 29460469.

NM_001429.4(EP300):c.1192C>T (p.Gln398Ter)

Gene: EP300 (EP300 lysine acetyltransferase; plus strand). Cytogenetic location: 22q13.2.
Variant type: single nucleotide variant.
Coding change: c.1192C>T on transcript NM_001429.4 (MANE Select); coding-DNA position 1192, C replaced by T.
Protein change: p.Gln398Ter; replaces glutamine 398 with a stop codon.
Molecular consequence: nonsense.
Genome position (GRCh38, 1-based): chr22:41,129,913, C>T. VCF-style: chr22-41129913-C-T. GRCh37 (hg19) VCF-style: chr22-41525917-C-T.
Other names: c.1192C>T, p.Gln398Ter (NM_001362843.2); short protein forms Q398*.
Identifiers: ClinVar variation 3377305 (VCV003377305.1).